The following is an entry in ClinVar:

NM_004370.6(COL12A1):c.6550G>A (p.Val2184Ile)

Gene: COL12A1 (collagen type XII alpha 1 chain; minus strand). Cytogenetic location: 6q13.
Variant type: single nucleotide variant.
Coding change: c.6550G>A on transcript NM_004370.6 (MANE Select); coding-DNA position 6550, G replaced by A.
Protein change: p.Val2184Ile; replaces valine 2184 with isoleucine.
Molecular consequence: missense variant.
Genome position (GRCh38, 1-based): chr6:75,125,184, C>T on the plus strand (G>A on the coding strand, the complement: COL12A1 is on the minus strand). VCF-style: chr6-75125184-C-T. GRCh37 (hg19) VCF-style: chr6-75834900-C-T.
Other names: c.6550G>A, p.Val2184Ile (NM_001424113.1); c.6529G>A, p.Val2177Ile (NM_001424114.1); c.6550G>A (NM_004370.5); c.6277G>A, p.Val2093Ile (NM_001424115.1); c.3058G>A, p.Val1020Ile (NM_001424116.1, NM_080645.3); short protein forms V1020I, V2093I, V2177I, V2184I.
Identifiers: ClinVar variation 2938219 (VCV002938219.4), dbSNP rs2533236649, ClinGen allele CA364729380.

ClinVar aggregate classification (germline): Uncertain significance. Review status: criteria provided, multiple submitters, no conflicts (2 of 4 stars). 2 submissions from 2 submitters: Uncertain significance (2). Last evaluated 2024-04-17.

Conditions:
Ullrich congenital muscular dystrophy 2 (UCMD2). Identifiers: Orphanet 75840, MedGen C4225314, MONDO:0014654, OMIM 616470.
Bethlem myopathy 2 (BTHLM2). Identifiers: Orphanet 536516, Orphanet 610, MedGen C4225313, MONDO:0034022, OMIM 616471.

Allele frequency attached by ClinVar (database versions not stated): gnomAD exomes below 0.00001.
gnomAD v4.1: 1 of 1,612,398 alleles (0.000062%); highest among the groups gnomAD compares: Non-Finnish European, 0.000085%; no homozygotes.

Submissions (2):

GeneDx
Classification: Uncertain significance. Last evaluated: 2024-04-17. Review status: criteria provided, single submitter. Criteria: GeneDx Variant Classification Process June 2021. Collection method: clinical testing. Allele origin: germline. Affected: yes.
Comment: Not observed at significant frequency in large population cohorts (gnomAD); In silico analysis indicates that this missense variant does not alter protein structure/function; Has not been previously published as pathogenic or benign to our knowledge

Labcorp Genetics (formerly Invitae), Labcorp
Classification: Uncertain significance for Bethlem myopathy 2; Ullrich congenital muscular dystrophy 2. Last evaluated: 2022-12-15. Review status: criteria provided, single submitter. Criteria: Invitae Variant Classification Sherloc (09022015). Collection method: clinical testing. Allele origin: germline.
Comment: This sequence change replaces valine, which is neutral and non-polar, with isoleucine, which is neutral and non-polar, at codon 2184 of the COL12A1 protein (p.Val2184Ile). This variant is not present in population databases (gnomAD no frequency). This variant has not been reported in the literature in individuals affected with COL12A1-related conditions. Advanced modeling of protein sequence and biophysical properties (such as structural, functional, and spatial information, amino acid conservation, physicochemical variation, residue mobility, and thermodynamic stability) has been performed at Invitae for this missense variant, however the output from this modeling did not meet the statistical confidence thresholds required to predict the impact of this variant on COL12A1 protein function. In summary, the available evidence is currently insufficient to determine the role of this variant in disease. Therefore, it has been classified as a Variant of Uncertain Significance.